The following is an entry in ClinVar:

ClinVar aggregate classification (germline): Uncertain significance. Review status: criteria provided, multiple submitters, no conflicts (2 of 4 stars). 2 submissions from 2 submitters: Uncertain significance (2). Last evaluated 2025-12-31.

Conditions:
Inborn genetic diseases. Identifiers: MedGen C0950123, MeSH D030342.

Allele frequency attached by ClinVar (database versions not stated): gnomAD exomes below 0.00001; gnomAD 0.00001.
gnomAD v4.1: 2 of 1,183,914 alleles (0.00017%); highest among the groups gnomAD compares: Non-Finnish European, 0.00021%; no homozygotes.

Submissions (2):

Dasa
Classification: Uncertain significance. Last evaluated: 2025-12-31. Review status: criteria provided, single submitter. Criteria: DASA Assertion Criteria. Collection method: clinical testing. Allele origin: germline.
Comment: NM_005631.5(SMO):c.14G>C (p.Arg5Pro) is a missense variant that results in the substitution of arginine with proline. This variant is rare in population databases. The currently available literature and clinical evidence are not sufficient to establish a definitive association between this variant and the reported condition. Therefore, this variant is classified as a variant of uncertain significance.

Ambry Genetics
Classification: Uncertain significance for Inborn genetic diseases. Last evaluated: 2022-10-26. Review status: criteria provided, single submitter. Criteria: Ambry Variant Classification Scheme 2023. Collection method: clinical testing. Allele origin: germline.

NM_005631.5(SMO):c.14G>C (p.Arg5Pro)

Genes: SMO (smoothened, frizzled class receptor; plus strand), LOC129999303 (ATAC-STARR-seq lymphoblastoid silent region 18626; plus strand). Cytogenetic location: 7q32.1.
Variant type: single nucleotide variant.
Coding change: c.14G>C on transcript NM_005631.5 (MANE Select); coding-DNA position 14, G replaced by C.
Protein change: p.Arg5Pro; replaces arginine 5 with proline.
Molecular consequence: missense variant.
Genome position (GRCh38, 1-based): chr7:129,189,165, G>C. VCF-style: chr7-129189165-G-C. GRCh37 (hg19) VCF-style: chr7-128829006-G-C.
Other names: short protein forms R5P.
Identifiers: ClinVar variation 2320411 (VCV002320411.4), dbSNP rs1406355067, ClinGen allele CA369234511.